The following is an entry in ClinVar:

ClinVar aggregate classification (germline): Pathogenic. Review status: criteria provided, multiple submitters, no conflicts (2 of 4 stars). 4 submissions from 4 submitters: Pathogenic (2). 2 of the submissions do not count toward it. Last evaluated 2025-12-27.

Conditions:
CHARGE syndrome (CHARGE). Also called: Hittner Hirsch Kreh syndrome; Coloboma, heart anomaly, choanal atresia, retardation, genital and ear anomalies; CHARGE association; Hall-Hittner syndrome; CHARGE ASSOCIATION--COLOBOMA, HEART ANOMALY, CHOANAL ATRESIA, RETARDATION, GENITAL AND EAR ANOMALIES. Identifiers: Orphanet 138, MedGen C0265354, MONDO:0008965.

Submissions (4):

Labcorp Genetics (formerly Invitae), Labcorp
Classification: Pathogenic for CHARGE syndrome. Last evaluated: 2025-12-27. Review status: criteria provided, single submitter. Criteria: Invitae Variant Classification Sherloc (09022015). Collection method: clinical testing. Allele origin: germline.
Comment: This sequence change replaces asparagine, which is neutral and polar, with serine, which is neutral and polar, at codon 1030 of the CHD7 protein (p.Asn1030Ser). This variant is not present in population databases (gnomAD no frequency). This missense change has been observed in individual(s) with clinical features of Kallman syndrome and CHARGE syndrome (PMID: 21041284, 25077900). In at least one individual the variant was observed to be de novo. ClinVar contains an entry for this variant (Variation ID: 279758). Invitae Evidence Modeling of protein sequence and biophysical properties (such as structural, functional, and spatial information, amino acid conservation, physicochemical variation, residue mobility, and thermodynamic stability) indicates that this missense variant is expected to disrupt CHD7 protein function with a positive predictive value of 95%. Algorithms developed to predict the effect of sequence changes on RNA splicing suggest that this variant may disrupt the consensus splice site. For these reasons, this variant has been classified as Pathogenic.

GeneDx
Classification: Pathogenic. Last evaluated: 2025-01-03. Review status: criteria provided, single submitter. Criteria: GeneDx Variant Classification Process June 2021. Collection method: clinical testing. Allele origin: germline. Affected: yes.
Comment: Not observed at significant frequency in large population cohorts (gnomAD); In silico analysis supports that this missense variant has a deleterious effect on protein structure/function; In silico analysis suggests this variant may impact gene splicing. In the absence of RNA/functional studies, the actual effect of this sequence change is unknown.; This variant is associated with the following publications: (PMID: 35982159, 33057194, 33879512, 21041284, 34171171, 25077900, 22539353)

Clinical Genetics DNA and cytogenetics Diagnostics Lab, Erasmus MC, Erasmus Medical Center
Classification: Pathogenic. Review status: no assertion criteria provided. Collection method: clinical testing. Allele origin: germline. Affected: yes. Study: VKGL Data-share Consensus. Not counted in ClinVar's aggregate classification.

Joint Genome Diagnostic Labs from Nijmegen and Maastricht, Radboudumc and MUMC+
Classification: Pathogenic. Review status: no assertion criteria provided. Collection method: clinical testing. Allele origin: germline. Affected: yes. Study: VKGL Data-share Consensus. Not counted in ClinVar's aggregate classification.

Literature cited by the submitters: PubMed 21041284 (cited by Labcorp Genetics (formerly Invitae), Labcorp); PubMed 25077900 (cited by Labcorp Genetics (formerly Invitae), Labcorp).

NM_017780.4(CHD7):c.3089A>G (p.Asn1030Ser)

Gene: CHD7 (chromodomain helicase DNA binding protein 7; plus strand). Cytogenetic location: 8q12.2.
Variant type: single nucleotide variant.
Coding change: c.3089A>G on transcript NM_017780.4 (MANE Select); coding-DNA position 3089, A replaced by G.
Protein change: p.Asn1030Ser; replaces asparagine 1030 with serine.
Molecular consequence: missense variant. On other transcripts: intron variant (1).
Genome position (GRCh38, 1-based): chr8:60,822,634, A>G. VCF-style: chr8-60822634-A-G. GRCh37 (hg19) VCF-style: chr8-61735193-A-G.
Other names: c.3089A>G (LRG_176t1); c.1717-39595A>G (NM_001316690.1); short protein forms N1030S.
Identifiers: ClinVar variation 279758 (VCV000279758.13), dbSNP rs886041167, ClinGen allele CA10602996.
Genomic context (GRCh38, chr8:60,822,634, plus strand): 5'-TATATTTGAAAGGAATCCATGGCCCTTTTTTAGTAATTGCCCCATTGTCCACAATCCCCA[A>G]CTGGGAAAGGGAATTCCGAACCTGGACAGAGTTGAACGTGGTTGTGTATCATGGGAGTCA-3'
Protein context (NP_060250.2, residues 1020-1040): LVIAPLSTIP[Asn1030Ser]WEREFRTWTE